The following is an entry in ClinVar:

NM_001042492.3(NF1):c.2210_2211del (p.Thr737fs)

Gene: NF1 (neurofibromin 1; plus strand). Cytogenetic location: 17q11.2.
Variant type: Microsatellite.
Coding change: c.2210_2211del on transcript NM_001042492.3 (MANE Select); coding-DNA positions 2210 to 2211, 2 bases deleted (CA; older notation c.2210_2211delCA).
Protein change: p.Thr737fs; shifts the reading frame from threonine 737.
Molecular consequence: frameshift variant.
Genome position (GRCh38, 1-based): chr17:31,226,643-31,226,644, CA deleted; deleting any 2 consecutive bases within chr17:31,226,640-31,226,644 gives the same sequence; the c. name uses the placement nearest the transcript's 3' end. VCF-style (leftmost placement, unchanged base first): chr17-31226639-AAC-A. GRCh37 (hg19) VCF-style: chr17-29553657-AAC-A.
Other names: c.2210_2211delCA (NM_000267.3); c.2208_2209CA[1], p.Thr737Ilefs (NM_000267.4); short protein forms T737fs.
Identifiers: ClinVar variation 457571 (VCV000457571.1), dbSNP rs1555613831, ClinGen allele CA658656607.

ClinVar aggregate classification (germline): Pathogenic (1 of 4 stars; one submission).

Conditions:
Neurofibromatosis, type 1 (NF1). Also called: VON RECKLINGHAUSEN DISEASE; NEUROFIBROMATOSIS, TYPE I, SOMATIC; Peripheral type neurofibromatosis; Neurofibromatosis, type I. Identifiers: Orphanet 636, MedGen C0027831, MONDO:0018975, OMIM 162200. Disease mechanism: loss of function.

Submission:

Labcorp Genetics (formerly Invitae), Labcorp
Classification: Pathogenic for Neurofibromatosis, type 1. Last evaluated: 2017-04-04. Review status: criteria provided, single submitter. Criteria: Invitae Variant Classification Sherloc (09022015). Collection method: clinical testing. Allele origin: germline.
Comment: This sequence change deletes 2 nucleotides from exon 18 of the NF1 mRNA (c.2210_2211delCA), causing a frameshift at codon 737. This creates a premature translational stop signal (p.Thr737Ilefs*30) and is expected to result in an absent or disrupted protein product. While this particular variant has not been reported in the literature, loss-of-function variants in NF1 are known to be pathogenic (PMID: 10712197, 23913538). For these reasons, this variant has been classified as Pathogenic.